The following is an entry in ClinVar:

ClinVar aggregate classification (germline): Uncertain significance (1 of 4 stars; one submission).

Submission:

GeneDx
Classification: Uncertain significance. Last evaluated: 2025-10-21. Review status: criteria provided, single submitter. Criteria: GeneDx Variant Classification Process June 2021. Collection method: clinical testing. Allele origin: germline.
Comment: Not observed at significant frequency in large population cohorts (gnomAD); In silico analysis suggests that this missense variant does not alter protein structure/function; Has not been previously published as pathogenic or benign to our knowledge

NM_022841.7(RFX7):c.2410G>C (p.Val804Leu)

Gene: RFX7 (regulatory factor X7; minus strand). Cytogenetic location: 15q21.3.
Variant type: single nucleotide variant.
Coding change: c.2410G>C on transcript NM_022841.7 (MANE Select); coding-DNA position 2410, G replaced by C.
Protein change: p.Val804Leu; replaces valine 804 with leucine.
Molecular consequence: missense variant.
Genome position (GRCh38, 1-based): chr15:56,095,318, C>G on the plus strand (G>C on the coding strand, the complement: RFX7 is on the minus strand). VCF-style: chr15-56095318-C-G. GRCh37 (hg19) VCF-style: chr15-56387516-C-G.
Other names: c.2119G>C, p.Val707Leu (NM_001368073.2, NM_001368074.1, NM_001370554.1); c.2410G>C, p.Val804Leu (NM_001370561.1); short protein forms V707L, V804L.
Identifiers: ClinVar variation 2504748 (VCV002504748.2), dbSNP rs2504988480, ClinGen allele CA392579180.